The following is an entry in ClinVar:

NM_000536.4(RAG2):c.983T>C (p.Phe328Ser)

Gene: RAG2 (recombination activating 2; minus strand). Cytogenetic location: 11p12.
Variant type: single nucleotide variant.
Coding change: c.983T>C on transcript NM_000536.4 (MANE Select); coding-DNA position 983, T replaced by C.
Protein change: p.Phe328Ser; replaces phenylalanine 328 with serine.
Molecular consequence: missense variant.
Genome position (GRCh38, 1-based): chr11:36,593,186, A>G on the plus strand (T>C on the coding strand, the complement: RAG2 is on the minus strand). VCF-style: chr11-36593186-A-G. GRCh37 (hg19) VCF-style: chr11-36614736-A-G.
Other names: c.983T>C, p.Phe328Ser (NM_001243785.2, NM_001243786.2); short protein forms F328S.
Identifiers: ClinVar variation 854656 (VCV000854656.1), dbSNP rs1851066103, ClinGen allele CA380141489.
Genomic context (GRCh38, chr11:36,593,186, plus strand): 5'-AACATATAGAAATAGAATCCTTCTGAAACAACTTGTTTATTGTCTCCTGGTATGCCAAGA[A>G]AAACAGTTCCATTTCCCATGTTGCTTCCAAACCATATCTTGCTGTGCTTAATGTCTGGGG-3'
Protein context (NP_000527.2, residues 318-338): FGSNMGNGTV[Phe328Ser]LGIPGDNKQV

ClinVar aggregate classification (germline): Uncertain significance (1 of 4 stars; one submission).

Conditions:
Combined immunodeficiency with skin granulomas. Identifiers: Orphanet 157949, MedGen C2673536, MONDO:0009306, OMIM 233650.
Severe combined immunodeficiency, autosomal recessive, T cell-negative, B cell-negative, NK cell-positive. Also called: SCID, T CELL-NEGATIVE, B CELL-NEGATIVE, NK CELL-POSITIVE; SCID, AR, T-cell negative, B-cell negative, NK cell-positive; Severe combined immunodeficiency due to complete RAG1/2 deficiency. Identifiers: Orphanet 331206, MedGen C1832322, MONDO:0011086, OMIM 601457.

Allele frequency attached by ClinVar (database versions not stated): gnomAD exomes 0.00001.
gnomAD v4.1: 11 of 1,614,222 alleles (0.00068%); highest among the groups gnomAD compares: Non-Finnish European, 0.00076%; no homozygotes.

Submission:

Labcorp Genetics (formerly Invitae), Labcorp
Classification: Uncertain significance for Combined cellular and humoral immune defects with granulomas; Severe immunodeficiency, autosomal recessive, T-cell negative, B-cell negative, NK cell-positive. Last evaluated: 2019-02-28. Review status: criteria provided, single submitter. Criteria: Invitae Variant Classification Sherloc (09022015). Collection method: clinical testing. Allele origin: germline.
Comment: This sequence change replaces phenylalanine with serine at codon 328 of the RAG2 protein (p.Phe328Ser). The phenylalanine residue is moderately conserved and there is a large physicochemical difference between phenylalanine and serine. This variant is not present in population databases (ExAC no frequency). Algorithms developed to predict the effect of missense changes on protein structure and function are either unavailable or do not agree on the potential impact of this missense change (SIFT: "Deleterious"; PolyPhen-2: "Probably Damaging"; Align-GVGD: "Class C0"). In summary, the available evidence is currently insufficient to determine the role of this variant in disease. Therefore, it has been classified as a Variant of Uncertain Significance.